The following is an entry in ClinVar:

NM_014915.3(ANKRD26):c.2546G>C (p.Ser849Thr)

Gene: ANKRD26 (ankyrin repeat domain containing 26; minus strand). Cytogenetic location: 10p12.1.
Variant type: single nucleotide variant.
Coding change: c.2546G>C on transcript NM_014915.3 (MANE Select); coding-DNA position 2546, G replaced by C.
Protein change: p.Ser849Thr; replaces serine 849 with threonine.
Molecular consequence: missense variant.
Genome position (GRCh38, 1-based): chr10:27,037,884, C>G on the plus strand (G>C on the coding strand, the complement: ANKRD26 is on the minus strand). VCF-style: chr10-27037884-C-G. GRCh37 (hg19) VCF-style: chr10-27326813-C-G.
Other names: c.2543G>C, p.Ser848Thr (NM_001256053.2); short protein forms S848T, S849T.
Identifiers: ClinVar variation 4102987 (VCV004102987.1).

ClinVar aggregate classification (germline): Uncertain significance (1 of 4 stars; one submission).

Conditions:
Inborn genetic diseases. Identifiers: MedGen C0950123, MeSH D030342.

Submission:

Ambry Genetics
Classification: Uncertain significance for Inborn genetic diseases. Last evaluated: 2025-06-24. Review status: criteria provided, single submitter. Criteria: Ambry Variant Classification Scheme 2023. Collection method: clinical testing. Allele origin: germline.
Comment: The p.S849T variant (also known as c.2546G>C), located in coding exon 22 of the ANKRD26 gene, results from a G to C substitution at nucleotide position 2546. The serine at codon 849 is replaced by threonine, an amino acid with similar properties. This amino acid position is conserved. In addition, this alteration is predicted to be tolerated by in silico analysis. Based on the available evidence, the clinical significance of this variant remains unclear.